The following is an entry in ClinVar:

ClinVar aggregate classification (germline): Uncertain significance (1 of 4 stars; one submission).

Conditions:
Cerebral creatine deficiency syndrome. Also called: Creatine deficiency syndromes. Identifiers: Orphanet 79172, MedGen C5244016, MONDO:0000456.

Allele frequency attached by ClinVar (database versions not stated): gnomAD exomes 0.00001.

Submission:

Labcorp Genetics (formerly Invitae), Labcorp
Classification: Uncertain significance for Cerebral creatine deficiency syndrome. Last evaluated: 2022-04-25. Review status: criteria provided, single submitter. Criteria: Invitae Variant Classification Sherloc (09022015). Collection method: clinical testing. Allele origin: germline.
Comment: This sequence change replaces methionine, which is neutral and non-polar, with threonine, which is neutral and polar, at codon 188 of the GAMT protein (p.Met188Thr). This variant is present in population databases (no rsID available, gnomAD 0.0009%). This missense change has been observed in individual(s) with a positive newborn screening result for GAMT-related disease (Invitae). Algorithms developed to predict the effect of missense changes on protein structure and function are either unavailable or do not agree on the potential impact of this missense change (SIFT: "Deleterious"; PolyPhen-2: "Possibly Damaging"; Align-GVGD: "Class C0"). In summary, the available evidence is currently insufficient to determine the role of this variant in disease. Therefore, it has been classified as a Variant of Uncertain Significance.

NM_000156.6(GAMT):c.563T>C (p.Met188Thr)

Gene: GAMT (guanidinoacetate N-methyltransferase; minus strand). Cytogenetic location: 19p13.3.
Variant type: single nucleotide variant.
Coding change: c.563T>C on transcript NM_000156.6 (MANE Select); coding-DNA position 563, T replaced by C.
Protein change: p.Met188Thr; replaces methionine 188 with threonine.
Molecular consequence: missense variant.
Genome position (GRCh38, 1-based): chr19:1,398,923, A>G on the plus strand (T>C on the coding strand, the complement: GAMT is on the minus strand). VCF-style: chr19-1398923-A-G. GRCh37 (hg19) VCF-style: chr19-1398922-A-G.
Other names: c.563T>C, p.Met188Thr (NM_138924.3); short protein forms M188T.
Identifiers: ClinVar variation 2139924 (VCV002139924.1), dbSNP rs1163644565, ClinGen allele CA402994021.
Genomic context (GRCh38, chr19:1,398,923, plus strand): 5'-CCCCATCCAAGGTCACTTCCTGGAGACCCATGGGGAACTTCAGGTGGGCGCACCTCAAAC[A>G]TGATGGTGATGTCTGAGTACTTGGACTTCATCAGCTCCCCCCAGGAGGTGAGGTTGCAGT-3'
Protein context (NP_000147.1, residues 178-198): MKSKYSDITI[Met188Thr]FEETQVPALL